The following is an entry in ClinVar:

ClinVar aggregate classification (germline): Conflicting classifications of pathogenicity. Review status: criteria provided, conflicting classifications (1 of 4 stars). 6 submissions from 6 submitters: Pathogenic (1); Likely pathogenic (1); Uncertain significance (3). 1 of the submissions does not count toward it. Last evaluated 2025-09-02.

Conditions:
Niemann-Pick disease, type C1. Also called: NIEMANN-PICK DISEASE, VARIANT TYPE C1; NEUROVISCERAL STORAGE DISEASE WITH VERTICAL SUPRANUCLEAR OPHTHALMOPLEGIA; NIEMANN-PICK DISEASE WITH CHOLESTEROL ESTERIFICATION BLOCK; NIEMANN-PICK DISEASE WITHOUT SPHINGOMYELINASE DEFICIENCY; NIEMANN-PICK DISEASE, CHRONIC NEURONOPATHIC FORM. Identifiers: Orphanet 646, MedGen C3179455, MONDO:0009757, OMIM 257220.

Allele frequency attached by ClinVar (database versions not stated): ExAC 0.00001; gnomAD 0.00001; gnomAD exomes 0.00001; TOPMed 0.00004.
gnomAD v4.1: 30 of 1,614,102 alleles (0.0019%); highest among the groups gnomAD compares: Middle Eastern, 0.066%; no homozygotes.

Submissions (6):

First Genomix Gene Laboratory, Genetic Diagnostics Department
Classification: Likely pathogenic for Niemann-Pick disease, type C1. Last evaluated: 2025-09-02. Review status: criteria provided, single submitter. Criteria: ACMG Guidelines, 2015. Collection method: clinical testing. Allele origin: germline. Inheritance: Autosomal recessive inheritance. Affected: no. Observed: 1 variant allele.

Labcorp Genetics (formerly Invitae), Labcorp
Classification: Pathogenic for Niemann-Pick disease, type C1. Last evaluated: 2025-03-17. Review status: criteria provided, single submitter. Criteria: Invitae Variant Classification Sherloc (09022015). Collection method: clinical testing. Allele origin: germline.
Comment: This sequence change replaces valine, which is neutral and non-polar, with methionine, which is neutral and non-polar, at codon 757 of the NPC1 protein (p.Val757Met). This variant is present in population databases (rs777156729, gnomAD 0.007%). This missense change has been observed in individual(s) with clinical features of Niemann-Pick Type C disease (PMID: 30285904; internal data). In at least one individual the data is consistent with being in trans (on the opposite chromosome) from a pathogenic variant. ClinVar contains an entry for this variant (Variation ID: 326264). Invitae Evidence Modeling of protein sequence and biophysical properties (such as structural, functional, and spatial information, amino acid conservation, physicochemical variation, residue mobility, and thermodynamic stability) indicates that this missense variant is expected to disrupt NPC1 protein function with a positive predictive value of 95%. For these reasons, this variant has been classified as Pathogenic.

Blueprint Genetics
Classification: Uncertain significance. Last evaluated: 2024-11-12. Review status: criteria provided, single submitter. Criteria: ACMG Guidelines, 2015. Collection method: clinical testing. Allele origin: germline.

Illumina Laboratory Services, Illumina
Classification: Uncertain significance for Niemann-Pick disease type C1. Last evaluated: 2018-01-13. Review status: criteria provided, single submitter. Criteria: ICSL Variant Classification Criteria 13 December 2019. Collection method: clinical testing. Allele origin: germline.

Eurofins Ntd Llc (ga)
Classification: Uncertain significance. Last evaluated: 2016-10-24. Review status: criteria provided, single submitter. Criteria: EGL Classification Definitions 2015. Collection method: clinical testing. Allele origin: germline. Observed: 1 variant allele, 1 heterozygote.

Natera, Inc.
Classification: Uncertain significance for Niemann-Pick disease type C1. Last evaluated: 2020-09-16. Review status: no assertion criteria provided. Collection method: clinical testing. Allele origin: germline. Not counted in ClinVar's aggregate classification.

Literature cited by the submitters: PubMed 30285904 (cited by Labcorp Genetics (formerly Invitae), Labcorp).

NM_000271.5(NPC1):c.2269G>A (p.Val757Met)

Gene: NPC1 (NPC intracellular cholesterol transporter 1; minus strand). Cytogenetic location: 18q11.2.
Variant type: single nucleotide variant.
Coding change: c.2269G>A on transcript NM_000271.5 (MANE Select); coding-DNA position 2269, G replaced by A.
Protein change: p.Val757Met; replaces valine 757 with methionine.
Molecular consequence: missense variant.
Genome position (GRCh38, 1-based): chr18:23,541,410, C>T on the plus strand (G>A on the coding strand, the complement: NPC1 is on the minus strand). VCF-style: chr18-23541410-C-T. GRCh37 (hg19) VCF-style: chr18-21121374-C-T.
Other names: short protein forms V757M.
Identifiers: ClinVar variation 326264 (VCV000326264.16), dbSNP rs777156729, ClinGen allele CA8913156.
Genomic context (GRCh38, chr18:23,541,410, plus strand): 5'-TAATCTGCAGAAGAAAGTCAATGAAGACTGCCAATCCCGCAAAGAGAGAGAAGGTGTGCA[C>T]GGCTGGCATCACGGACAATGCTCCTGTCGGGGAGAGAAGGGCTCTGCGTCACTTCTGTTT-3'
Protein context (NP_000262.2, residues 747-767): FLGALSVMPA[Val757Met]HTFSLFAGLA